The following is an entry in ClinVar:

ClinVar aggregate classification (germline): Uncertain significance (1 of 4 stars; one submission).

Conditions:
DICER1-related tumor predisposition. Also called: DICER1 syndrome; DICER1-related pleuropulmonary blastoma cancer predisposition syndrome. Identifiers: Orphanet 284343, MedGen C3839822, MONDO:0100216.

Submission:

Labcorp Genetics (formerly Invitae), Labcorp
Classification: Uncertain significance for DICER1-related tumor predisposition. Last evaluated: 2018-08-04. Review status: criteria provided, single submitter. Criteria: Invitae Variant Classification Sherloc (09022015). Collection method: clinical testing. Allele origin: germline.
Comment: This sequence change replaces arginine with threonine at codon 1154 of the DICER1 protein (p.Arg1154Thr). The arginine residue is weakly conserved and there is a moderate physicochemical difference between arginine and threonine. This variant is not present in population databases (ExAC no frequency). This variant has not been reported in the literature in individuals with DICER1-related disease. Algorithms developed to predict the effect of missense changes on protein structure and function (SIFT, PolyPhen-2, Align-GVGD) all suggest that this variant is likely to be tolerated, but these predictions have not been confirmed by published functional studies and their clinical significance is uncertain. In summary, the available evidence is currently insufficient to determine the role of this variant in disease. Therefore, it has been classified as a Variant of Uncertain Significance.

NM_177438.3(DICER1):c.3461G>C (p.Arg1154Thr)

Gene: DICER1 (dicer 1, ribonuclease III; minus strand). Cytogenetic location: 14q32.13.
Variant type: single nucleotide variant.
Coding change: c.3461G>C on transcript NM_177438.3 (MANE Select); coding-DNA position 3461, G replaced by C.
Protein change: p.Arg1154Thr; replaces arginine 1154 with threonine.
Molecular consequence: missense variant.
Genome position (GRCh38, 1-based): chr14:95,103,935, C>G on the plus strand (G>C on the coding strand, the complement: DICER1 is on the minus strand). VCF-style: chr14-95103935-C-G. GRCh37 (hg19) VCF-style: chr14-95570272-C-G.
Other names: c.3461G>C, p.Arg1154Thr (NM_001195573.1, NM_001271282.3, NM_001291628.2 and 1 more transcripts); short protein forms R1154T.
Identifiers: ClinVar variation 645377 (VCV000645377.10), dbSNP rs1555369626, ClinGen allele CA390875334.